The following is an entry in ClinVar:

ClinVar aggregate classification (germline): Uncertain significance (1 of 4 stars; one submission).

Allele frequency attached by ClinVar (database versions not stated): gnomAD exomes below 0.00001.
gnomAD v4.1: 1 of 1,534,018 alleles (0.000065%); highest among the groups gnomAD compares: Non-Finnish European, 0.000088%; no homozygotes.

Submission:

Labcorp Genetics (formerly Invitae), Labcorp
Classification: Uncertain significance. Last evaluated: 2024-07-08. Review status: criteria provided, single submitter. Criteria: Invitae Variant Classification Sherloc (09022015). Collection method: clinical testing. Allele origin: germline.
Comment: This sequence change replaces glutamic acid, which is acidic and polar, with aspartic acid, which is acidic and polar, at codon 420 of the SIX5 protein (p.Glu420Asp). This variant is not present in population databases (gnomAD no frequency). This variant has not been reported in the literature in individuals affected with SIX5-related conditions. ClinVar contains an entry for this variant (Variation ID: 2071826). Advanced modeling of protein sequence and biophysical properties (such as structural, functional, and spatial information, amino acid conservation, physicochemical variation, residue mobility, and thermodynamic stability) performed at Invitae indicates that this missense variant is not expected to disrupt SIX5 protein function with a negative predictive value of 80%. In summary, the available evidence is currently insufficient to determine the role of this variant in disease. Therefore, it has been classified as a Variant of Uncertain Significance.

NM_175875.5(SIX5):c.1260G>C (p.Glu420Asp)

Gene: SIX5 (SIX homeobox 5; minus strand). Cytogenetic location: 19q13.32.
Variant type: single nucleotide variant.
Coding change: c.1260G>C on transcript NM_175875.5 (MANE Select); coding-DNA position 1260, G replaced by C.
Protein change: p.Glu420Asp; replaces glutamic acid 420 with aspartic acid.
Molecular consequence: missense variant.
Genome position (GRCh38, 1-based): chr19:45,766,699, C>G on the plus strand (G>C on the coding strand, the complement: SIX5 is on the minus strand). VCF-style: chr19-45766699-C-G. GRCh37 (hg19) VCF-style: chr19-46269957-C-G.
Other names: short protein forms E420D.
Identifiers: ClinVar variation 2071826 (VCV002071826.4), dbSNP rs2513600815, ClinGen allele CA406418774.